The following is an entry in ClinVar:

NM_006739.4(MCM5):c.1405A>G (p.Ile469Val)

Gene: MCM5 (minichromosome maintenance complex component 5; plus strand). Cytogenetic location: 22q12.3.
Variant type: single nucleotide variant.
Coding change: c.1405A>G on transcript NM_006739.4 (MANE Select); coding-DNA position 1405, A replaced by G.
Protein change: p.Ile469Val; replaces isoleucine 469 with valine.
Molecular consequence: missense variant.
Genome position (GRCh38, 1-based): chr22:35,416,396, A>G. VCF-style: chr22-35416396-A-G. GRCh37 (hg19) VCF-style: chr22-35812389-A-G.
Other names: c.1405A>G (NM_006739.3); short protein forms I469V.
Identifiers: ClinVar variation 1666121 (VCV001666121.11), dbSNP rs146948801, ClinGen allele CA10205352.

ClinVar aggregate classification (germline): Likely benign. Review status: criteria provided, multiple submitters, no conflicts (2 of 4 stars). 3 submissions from 3 submitters: Likely benign (2). 1 of the submissions does not count toward it. Last evaluated 2026-01-09.

Conditions:
MCM5-related disorder. Also called: MCM5-related condition.

Allele frequency attached by ClinVar (database versions not stated): ExAC 0.00032; gnomAD 0.00085 and 0.00093; ESP Exome Variant Server 0.00092; TOPMed 0.00099; 1000 Genomes Project 30x 0.00187; 1000 Genomes Project 0.00220.
gnomAD v4.1: 269 of 1,612,542 alleles (0.017%); highest among the groups gnomAD compares: African/African-American, 0.26%; 1 homozygote.

Submissions (3):

Labcorp Genetics (formerly Invitae), Labcorp
Classification: Likely benign. Last evaluated: 2026-01-09. Review status: criteria provided, single submitter. Criteria: Invitae Variant Classification Sherloc (09022015). Collection method: clinical testing. Allele origin: germline.

Breakthrough Genomics
Classification: Likely benign. Review status: criteria provided, single submitter. Criteria: ACMG Guidelines, 2015. Collection method: not provided. Allele origin: germline. Inheritance: Autosomal recessive inheritance. Affected: yes.

PreventionGenetics, part of Exact Sciences
Classification: Likely benign for MCM5-related condition. Last evaluated: 2022-04-18. Review status: no assertion criteria provided. Collection method: clinical testing. Allele origin: germline. Not counted in ClinVar's aggregate classification.
Comment: This variant is classified as likely benign based on ACMG/AMP sequence variant interpretation guidelines (Richards et al. 2015 PMID: 25741868, with internal and published modifications).